The following is an entry in ClinVar:

ClinVar aggregate classification (germline): Uncertain significance (1 of 4 stars; one submission).

Conditions:
Hereditary cancer-predisposing syndrome. Also called: Hereditary Cancer Syndrome; Tumor predisposition; Neoplastic Syndromes, Hereditary; Hereditary neoplastic syndrome. Identifiers: Orphanet 140162, MedGen C0027672, MeSH D009386, MONDO:0015356.

Submission:

Labcorp Genetics (formerly Invitae), Labcorp
Classification: Uncertain significance for Hereditary cancer-predisposing syndrome. Last evaluated: 2022-04-08. Review status: criteria provided, single submitter. Criteria: Invitae Variant Classification Sherloc (09022015). Collection method: clinical testing. Allele origin: germline.
Comment: Algorithms developed to predict the effect of missense changes on protein structure and function (SIFT, PolyPhen-2, Align-GVGD) all suggest that this variant is likely to be tolerated. This sequence change replaces leucine, which is neutral and non-polar, with valine, which is neutral and non-polar, at codon 338 of the RAD50 protein (p.Leu338Val). This variant is not present in population databases (gnomAD no frequency). This variant has not been reported in the literature in individuals affected with RAD50-related conditions. In summary, the available evidence is currently insufficient to determine the role of this variant in disease. Therefore, it has been classified as a Variant of Uncertain Significance.

NM_005732.4(RAD50):c.1012C>G (p.Leu338Val)

Gene: RAD50 (RAD50 double strand break repair protein; plus strand). Cytogenetic location: 5q31.1.
Variant type: single nucleotide variant.
Coding change: c.1012C>G on transcript NM_005732.4 (MANE Select); coding-DNA position 1012, C replaced by G.
Protein change: p.Leu338Val; replaces leucine 338 with valine.
Molecular consequence: missense variant.
Genome position (GRCh38, 1-based): chr5:132,588,050, C>G. VCF-style: chr5-132588050-C-G. GRCh37 (hg19) VCF-style: chr5-131923742-C-G.
Other names: short protein forms L338V.
Identifiers: ClinVar variation 2123072 (VCV002123072.4), dbSNP rs2479632850, ClinGen allele CA360941448.
Genomic context (GRCh38, chr5:132,588,050, plus strand): 5'-AAAGAAAGGAAATTGGTAGACTGTCATCGTGAACTGGAAAAACTAAATAAAGAATCTAGG[C>G]TTCTCAATCAGGAAAAATCAGAACTGCTTGTTGAACAGGGTAGGACAAAATGTTTATTTG-3'
Protein context (NP_005723.2, residues 328-348): ELEKLNKESR[Leu338Val]LNQEKSELLV